The following is an entry in ClinVar:

ClinVar aggregate classification (germline): Conflicting classifications of pathogenicity. Review status: criteria provided, conflicting classifications (1 of 4 stars). 2 submissions from 2 submitters: Uncertain significance (1); Likely benign (1). Last evaluated 2025-07-02.

Allele frequency attached by ClinVar (database versions not stated): gnomAD exomes below 0.00001 and 0.00001; gnomAD 0.00001; TOPMed 0.00001.
gnomAD v4.1: 15 of 1,613,732 alleles (0.00093%); highest among the groups gnomAD compares: African/African-American, 0.0027%; no homozygotes.

Submissions (2):

GeneDx
Classification: Uncertain significance. Last evaluated: 2025-07-02. Review status: criteria provided, single submitter. Criteria: GeneDx Variant Classification Process June 2021. Collection method: clinical testing. Allele origin: germline. Affected: yes.
Comment: Not observed at significant frequency in large population cohorts (gnomAD); In silico analysis suggests that this variant does not alter splicing; Has not been previously published as pathogenic or benign to our knowledge

Labcorp Genetics (formerly Invitae), Labcorp
Classification: Likely benign. Last evaluated: 2023-11-06. Review status: criteria provided, single submitter. Criteria: Invitae Variant Classification Sherloc (09022015). Collection method: clinical testing. Allele origin: germline.

NM_000092.5(COL4A4):c.193-6T>G

Gene: COL4A4 (collagen type IV alpha 4 chain; minus strand). Cytogenetic location: 2q36.3.
Variant type: single nucleotide variant.
Coding change: c.193-6T>G on transcript NM_000092.5 (MANE Select); 6 bases into the intron before coding-DNA position 193, T replaced by G.
Molecular consequence: intron variant.
Genome position (GRCh38, 1-based): chr2:227,121,154, A>C on the plus strand (T>G on the coding strand, the complement: COL4A4 is on the minus strand). VCF-style: chr2-227121154-A-C. GRCh37 (hg19) VCF-style: chr2-227985870-A-C.
Identifiers: ClinVar variation 1108394 (VCV001108394.10), dbSNP rs975148812, ClinGen allele CA66577482.